The following is an entry in ClinVar:

NM_000388.4(CASR):c.566A>T (p.Asn189Ile)

Gene: CASR (calcium sensing receptor; plus strand). Cytogenetic location: 3q21.1.
Variant type: single nucleotide variant.
Coding change: c.566A>T on transcript NM_000388.4 (MANE Select); coding-DNA position 566, A replaced by T.
Protein change: p.Asn189Ile; replaces asparagine 189 with isoleucine.
Molecular consequence: missense variant.
Genome position (GRCh38, 1-based): chr3:122,261,601, A>T. VCF-style: chr3-122261601-A-T. GRCh37 (hg19) VCF-style: chr3-121980448-A-T.
Other names: c.566A>T, p.Asn189Ile (NM_001178065.2); short protein forms N189I.
Identifiers: ClinVar variation 942321 (VCV000942321.12), dbSNP rs762998933, ClinGen allele CA354150858.
Genomic context (GRCh38, chr3:122,261,601, plus strand): 5'-CCTCCAGCAGACTCCTCAGCAACAAGAATCAATTCAAGTCTTTCCTCCGAACCATCCCCA[A>T]TGATGAGCACCAGGCCACTGCCATGGCAGACATCATCGAGTATTTCCGCTGGAACTGGGT-3'
Protein context (NP_000379.3, residues 179-199): QFKSFLRTIP[Asn189Ile]DEHQATAMAD

ClinVar aggregate classification (germline): Uncertain significance. Review status: criteria provided, multiple submitters, no conflicts (2 of 4 stars). 2 submissions from 2 submitters: Uncertain significance (2). Last evaluated 2024-08-02.

Conditions:
Familial hypocalciuric hypercalcemia (FHH). Also called: Familial benign hypercalcemia. Identifiers: Orphanet 405, MedGen C1809471, MONDO:0018458.
Autosomal dominant hypocalcemia 1 (HYPOC1). Also called: HYPOCALCEMIA, FAMILIAL. Identifiers: MedGen C3715128, MONDO:0011013, OMIM 601198.
Nephrolithiasis/nephrocalcinosis. Identifiers: MedGen CN580796.

Submissions (2):

Labcorp Genetics (formerly Invitae), Labcorp
Classification: Uncertain significance for Familial hypocalciuric hypercalcemia; Autosomal dominant hypocalcemia 1. Last evaluated: 2024-08-02. Review status: criteria provided, single submitter. Criteria: Invitae Variant Classification Sherloc (09022015). Collection method: clinical testing. Allele origin: germline.
Comment: This sequence change replaces asparagine, which is neutral and polar, with isoleucine, which is neutral and non-polar, at codon 189 of the CASR protein (p.Asn189Ile). This variant is not present in population databases (gnomAD no frequency). This variant has not been reported in the literature in individuals affected with CASR-related conditions. ClinVar contains an entry for this variant (Variation ID: 942321). An algorithm developed to predict the effect of missense changes on protein structure and function (PolyPhen-2) suggests that this variant is likely to be disruptive. In summary, the available evidence is currently insufficient to determine the role of this variant in disease. Therefore, it has been classified as a Variant of Uncertain Significance.

Ambry Genetics
Classification: Uncertain significance for Nephrolithiasis/nephrocalcinosis. Last evaluated: 2021-07-15. Review status: criteria provided, single submitter. Criteria: Ambry Variant Classification Scheme 2023. Collection method: clinical testing. Allele origin: germline.
Comment: The p.N189I variant (also known as c.566A>T), located in coding exon 3 of the CASR gene, results from an A to T substitution at nucleotide position 566. The asparagine at codon 189 is replaced by isoleucine, an amino acid with dissimilar properties. This amino acid position is conserved. In addition, the in silico prediction for this alteration is inconclusive. Since supporting evidence is limited at this time, the clinical significance of this alteration remains unclear.